The following is an entry in ClinVar:

ClinVar aggregate classification (germline): Uncertain significance. Review status: criteria provided, multiple submitters, no conflicts (2 of 4 stars). 2 submissions from 2 submitters: Uncertain significance (2). Last evaluated 2024-05-08.

Conditions:
Developmental and epileptic encephalopathy, 9 (DEE9). Also called: JUBERG-HELLMAN SYNDROME; EPILEPSY, FEMALE-RESTRICTED, WITH MENTAL RETARDATION; PCDH19-Related X-Linked Female-Limited Epilepsy with Mental Retardation; Early infantile epileptic encephalopathy 9. Identifiers: Orphanet 101039, Orphanet 2076, MedGen C1848137, MONDO:0010246, OMIM 300088. Disease mechanism: loss of function.

Allele frequency attached by ClinVar (database versions not stated): gnomAD exomes below 0.00001.

Submissions (2):

Labcorp Genetics (formerly Invitae), Labcorp
Classification: Uncertain significance for Developmental and epileptic encephalopathy, 9. Last evaluated: 2024-05-08. Review status: criteria provided, single submitter. Criteria: Invitae Variant Classification Sherloc (09022015). Collection method: clinical testing. Allele origin: germline.
Comment: This sequence change replaces methionine, which is neutral and non-polar, with valine, which is neutral and non-polar, at codon 110 of the PCDH19 protein (p.Met110Val). This variant is not present in population databases (gnomAD no frequency). This variant has not been reported in the literature in individuals affected with PCDH19-related conditions. ClinVar contains an entry for this variant (Variation ID: 377119). Advanced modeling of protein sequence and biophysical properties (such as structural, functional, and spatial information, amino acid conservation, physicochemical variation, residue mobility, and thermodynamic stability) performed at Invitae indicates that this missense variant is not expected to disrupt PCDH19 protein function with a negative predictive value of 95%. In summary, the available evidence is currently insufficient to determine the role of this variant in disease. Therefore, it has been classified as a Variant of Uncertain Significance.

Center for Pediatric Genomic Medicine, Children's Mercy Hospital and Clinics
Classification: Uncertain significance. Last evaluated: 2016-05-20. Review status: criteria provided, single submitter. Criteria: ACMG Guidelines, 2015. Collection method: clinical testing. Allele origin: germline.
ClinVar note: Converted during submission from Uncertain Significance to Uncertain significance.

NM_001184880.2(PCDH19):c.328A>G (p.Met110Val)

Gene: PCDH19 (protocadherin 19; minus strand). Cytogenetic location: Xq22.1.
Variant type: single nucleotide variant.
Coding change: c.328A>G on transcript NM_001184880.2 (MANE Select); coding-DNA position 328, A replaced by G.
Protein change: p.Met110Val; replaces methionine 110 with valine.
Molecular consequence: missense variant.
Genome position (GRCh38, 1-based): chrX:100,408,270, T>C on the plus strand (A>G on the coding strand, the complement: PCDH19 is on the minus strand). VCF-style: chrX-100408270-T-C. GRCh37 (hg19) VCF-style: chrX-99663268-T-C.
Other names: c.328A>G, p.Met110Val (NM_001105243.2, NM_020766.3); short protein forms M110V.
Identifiers: ClinVar variation 377119 (VCV000377119.5), dbSNP rs1057520139, ClinGen allele CA16603275.